The following is an entry in ClinVar:

NM_000321.3(RB1):c.1049G>A (p.Ser350Asn)

Gene: RB1 (RB transcriptional corepressor 1; plus strand). Cytogenetic location: 13q14.2.
Variant type: single nucleotide variant.
Coding change: c.1049G>A on transcript NM_000321.3 (MANE Select); coding-DNA position 1049, G replaced by A.
Protein change: p.Ser350Asn; replaces serine 350 with asparagine.
Molecular consequence: missense variant.
Genome position (GRCh38, 1-based): chr13:48,367,603, G>A. VCF-style: chr13-48367603-G-A. GRCh37 (hg19) VCF-style: chr13-48941739-G-A.
Other names: c.1049G>A, p.Ser350Asn (NM_001407165.1, NM_001407166.1); short protein forms S350N.
Identifiers: ClinVar variation 1776417 (VCV001776417.2), dbSNP rs1368390928, ClinGen allele CA388160979.

ClinVar aggregate classification (germline): Uncertain significance (1 of 4 stars; one submission).

Conditions:
Hereditary cancer-predisposing syndrome. Also called: Neoplastic Syndromes, Hereditary; Tumor predisposition; Hereditary Cancer Syndrome; Hereditary neoplastic syndrome. Identifiers: Orphanet 140162, MedGen C0027672, MeSH D009386, MONDO:0015356.

Submission:

Ambry Genetics
Classification: Uncertain significance for Hereditary cancer-predisposing syndrome. Last evaluated: 2022-06-17. Review status: criteria provided, single submitter. Criteria: Ambry Variant Classification Scheme 2023. Collection method: clinical testing. Allele origin: germline.
Comment: The p.S350N variant (also known as c.1049G>A), located in coding exon 10 of the RB1 gene, results from a G to A substitution at nucleotide position 1049. The amino acid change results in serine to asparagine at codon 350, an amino acid with highly similar properties. However, this change occurs in the last base pair of coding exon 10, which makes it likely to have some effect on normal mRNA splicing. This nucleotide position is highly conserved in available vertebrate species. This amino acid position is well conserved in available vertebrate species. In silico splice site analysis predicts that this alteration will weaken the native splice donor site. In addition, as a missense substitution this is predicted to be tolerated by in silico analysis. Since supporting evidence is limited at this time, the clinical significance of this alteration remains unclear.